The following is an entry in ClinVar:

ClinVar aggregate classification (germline): Likely benign. Review status: criteria provided, multiple submitters, no conflicts (2 of 4 stars). 4 submissions from 4 submitters: Likely benign (4). Last evaluated 2024-12-02.

Conditions:
Wilson disease (WND). Also called: Wilson's disease. Identifiers: Orphanet 905, MedGen C0019202, MONDO:0010200, OMIM 277900. Disease mechanism: loss of function.

Allele frequency attached by ClinVar (database versions not stated): gnomAD 0.00001; ExAC 0.00002; gnomAD exomes 0.00002; TOPMed 0.00002; ESP Exome Variant Server 0.00008.
gnomAD v4.1: 15 of 1,614,130 alleles (0.00093%); highest among the groups gnomAD compares: South Asian, 0.0022%; no homozygotes.

Submissions (4):

Mayo Clinic Laboratories, Mayo Clinic
Classification: Likely benign. Last evaluated: 2024-12-02. Review status: criteria provided, single submitter. Criteria: ACMG Guidelines, 2015. Collection method: clinical testing. Allele origin: germline. Observed: 1 variant allele.
Comment: BP4, BP7

Labcorp Genetics (formerly Invitae), Labcorp
Classification: Likely benign for Wilson disease. Last evaluated: 2024-01-31. Review status: criteria provided, single submitter. Criteria: Invitae Variant Classification Sherloc (09022015). Collection method: clinical testing. Allele origin: germline.

All of Us Research Program, National Institutes of Health
Classification: Likely benign for Wilson disease. Last evaluated: 2023-12-18. Review status: criteria provided, single submitter. Criteria: ACMG Guidelines, 2015. Collection method: clinical testing. Allele origin: germline. Inheritance: Autosomal recessive inheritance. Observed: 3 variant alleles, 3 heterozygotes.
Comment: This study involves interpretation of variants in research participants for the purpose of population health screening. Participant phenotype was not available at the time of variant classification. Additional details can be found in publication PMID: 35346344, PMCID: PMC8962531

Color Diagnostics, LLC DBA Color Health
Classification: Likely benign for Wilson disease. Last evaluated: 2022-05-26. Review status: criteria provided, single submitter. Criteria: ACMG Guidelines, 2015. Collection method: clinical testing. Allele origin: germline.

NM_000053.4(ATP7B):c.3738G>A (p.Ser1246=)

Gene: ATP7B (ATPase copper transporting beta; minus strand). Cytogenetic location: 13q14.3.
Variant type: single nucleotide variant.
Coding change: c.3738G>A on transcript NM_000053.4 (MANE Select); coding-DNA position 3738, G replaced by A.
Protein change: p.Ser1246=; no amino-acid change (serine 1246 retained).
Molecular consequence: synonymous variant.
Genome position (GRCh38, 1-based): chr13:51,937,641, C>T on the plus strand (G>A on the coding strand, the complement: ATP7B is on the minus strand). VCF-style: chr13-51937641-C-T. GRCh37 (hg19) VCF-style: chr13-52511777-C-T.
Other names: p.Ser1246=; c.3117G>A, p.Ser1039= (NM_001005918.3); c.3405G>A, p.Ser1135= (NM_001243182.2); c.3504G>A, p.Ser1168= (NM_001330578.2); c.3486G>A, p.Ser1162= (NM_001330579.2).
Identifiers: ClinVar variation 1125883 (VCV001125883.12), dbSNP rs376369653, ClinGen allele CA6988576.
Genomic context (GRCh38, chr13:51,937,641, plus strand): 5'-CCCCACCATGGCGACTTTCTTCCCTTTATTCTGGAGCTCCTGGACCTTGGCCACCTTGTG[C>T]GAAGGCAGCACCTCTGCAAAGACTTTGTTGATGCCAACCTAAGACAAAAGGAAGGCAATG-3'
Protein context (NP_000044.2, residues 1236-1256): INKVFAEVLP[Ser1246=]HKVAKVQELQ